The following is an entry in ClinVar:

ClinVar aggregate classification (germline): Uncertain significance. Review status: criteria provided, single submitter (1 of 4 stars). 2 submissions from 2 submitters: Uncertain significance (1). 1 of the submissions does not count toward it. Last evaluated 2022-10-11.

Conditions:
MHC class II deficiency. Also called: Bare lymphocyte syndrome 2; BLS, TYPE II. Identifiers: Orphanet 572, MedGen C5447452, MONDO:0008855.

Allele frequency attached by ClinVar (database versions not stated): 1000 Genomes Project 0.00020; 1000 Genomes Project 30x 0.00031; gnomAD exomes 0.00003; TOPMed 0.00014; ESP Exome Variant Server 0.00015; gnomAD 0.00019; ExAC 0.00007.
gnomAD v4.1: 47 of 1,614,156 alleles (0.0029%); highest among the groups gnomAD compares: African/African-American, 0.045%; no homozygotes.

Submissions (2):

Labcorp Genetics (formerly Invitae), Labcorp
Classification: Uncertain significance for MHC class II deficiency. Last evaluated: 2022-10-11. Review status: criteria provided, single submitter. Criteria: Invitae Variant Classification Sherloc (09022015). Collection method: clinical testing. Allele origin: germline.
Comment: This sequence change replaces aspartic acid, which is acidic and polar, with glutamic acid, which is acidic and polar, at codon 69 of the CIITA protein (p.Asp69Glu). This variant is present in population databases (rs199476061, gnomAD 0.06%). This variant has not been reported in the literature in individuals affected with CIITA-related conditions. ClinVar contains an entry for this variant (Variation ID: 102996). Algorithms developed to predict the effect of missense changes on protein structure and function (SIFT, PolyPhen-2, Align-GVGD) all suggest that this variant is likely to be tolerated. In summary, the available evidence is currently insufficient to determine the role of this variant in disease. Therefore, it has been classified as a Variant of Uncertain Significance.

Human Evolutionary Genetics, Institut Pasteur
No classification provided. Review status: no classification provided. Collection method: not provided. Allele origin: germline. Not counted in ClinVar's aggregate classification.
ClinVar note: Converted during submission from untested to not provided.

NM_000246.4(CIITA):c.207C>G (p.Asp69Glu)

Gene: CIITA (class II major histocompatibility complex transactivator; plus strand). Cytogenetic location: 16p13.13.
Variant type: single nucleotide variant.
Coding change: c.207C>G on transcript NM_000246.4 (MANE Select); coding-DNA position 207, C replaced by G.
Protein change: p.Asp69Glu; replaces aspartic acid 69 with glutamic acid.
Molecular consequence: missense variant. On other transcripts: non-coding transcript variant (1).
Genome position (GRCh38, 1-based): chr16:10,895,676, C>G. VCF-style: chr16-10895676-C-G. GRCh37 (hg19) VCF-style: chr16-10989533-C-G.
Other names: c.207C>G, p.Asp69Glu (NM_001286402.1, NM_001286403.2, NM_001379330.1 and 3 more transcripts); c.135C>G, p.Asp45Glu (NM_001379334.1); short protein forms D69E, D45E.
Identifiers: ClinVar variation 102996 (VCV000102996.4), dbSNP rs199476061, ClinGen allele CA229968.